The following is an entry in ClinVar:

NM_002381.5(MATN3):c.166G>C (p.Ala56Pro)

Gene: MATN3 (matrilin 3; minus strand). Cytogenetic location: 2p24.1.
Variant type: single nucleotide variant.
Coding change: c.166G>C on transcript NM_002381.5 (MANE Select); coding-DNA position 166, G replaced by C.
Protein change: p.Ala56Pro; replaces alanine 56 with proline.
Molecular consequence: missense variant.
Genome position (GRCh38, 1-based): chr2:20,012,466, C>G on the plus strand (G>C on the coding strand, the complement: MATN3 is on the minus strand). VCF-style: chr2-20012466-C-G. GRCh37 (hg19) VCF-style: chr2-20212227-C-G.
Other names: c.166G>C (NM_002381.4); short protein forms A56P.
Identifiers: ClinVar variation 2997154 (VCV002997154.5), dbSNP rs886794654, ClinGen allele CA43408020.

ClinVar aggregate classification (germline): Uncertain significance. Review status: criteria provided, multiple submitters, no conflicts (2 of 4 stars). 2 submissions from 2 submitters: Uncertain significance (2). Last evaluated 2025-08-22.

Conditions:
Inborn genetic diseases. Identifiers: MedGen C0950123, MeSH D030342.

gnomAD v4.1: 143 of 1,229,236 alleles (0.012%); highest among the groups gnomAD compares: Non-Finnish European, 0.014%; no homozygotes.

Submissions (2):

Ambry Genetics
Classification: Uncertain significance for Inborn genetic diseases. Last evaluated: 2025-08-22. Review status: criteria provided, single submitter. Criteria: Ambry Variant Classification Scheme 2023. Collection method: clinical testing. Allele origin: germline.

Labcorp Genetics (formerly Invitae), Labcorp
Classification: Uncertain significance. Last evaluated: 2025-03-17. Review status: criteria provided, single submitter. Criteria: Invitae Variant Classification Sherloc (09022015). Collection method: clinical testing. Allele origin: germline.
Comment: This sequence change replaces alanine, which is neutral and non-polar, with proline, which is neutral and non-polar, at codon 56 of the MATN3 protein (p.Ala56Pro). This variant is present in population databases (no rsID available, gnomAD 0.01%). This variant has not been reported in the literature in individuals affected with MATN3-related conditions. ClinVar contains an entry for this variant (Variation ID: 2997154). An algorithm developed to predict the effect of missense changes on protein structure and function (PolyPhen-2) suggests that this variant is likely to be tolerated. In summary, the available evidence is currently insufficient to determine the role of this variant in disease. Therefore, it has been classified as a Variant of Uncertain Significance.